The following is an entry in ClinVar:

NM_003055.3(SLC18A3):c.727G>T (p.Val243Leu)

Genes: SLC18A3 (solute carrier family 18 member A3; plus strand), CHAT (choline O-acetyltransferase; plus strand). Cytogenetic location: 10q11.23.
Variant type: single nucleotide variant.
Coding change: c.727G>T on transcript NM_003055.3 (MANE Select); coding-DNA position 727, G replaced by T.
Protein change: p.Val243Leu; replaces valine 243 with leucine.
Molecular consequence: missense variant. On other transcripts: intron variant (1).
Genome position (GRCh38, 1-based): chr10:49,611,467, G>T. VCF-style: chr10-49611467-G-T. GRCh37 (hg19) VCF-style: chr10-50819513-G-T.
Other names: c.-69+2268G>T (NM_020984.4); short protein forms V243L.
Identifiers: ClinVar variation 1926996 (VCV001926996.4), dbSNP rs771935500, ClinGen allele CA5496830.
Genomic context (GRCh38, chr10:49,611,467, plus strand): 5'-TTCGGAAGCCTAGTGGCCCCGCCCTTCGGGGGCATCCTCTATGAGTTCGCCGGCAAGCGC[G>T]TGCCCTTCTTGGTGCTAGCTGCCGTGTCGCTCTTTGACGCGCTGTTGCTGCTGGCAGTGG-3'
Protein context (NP_003046.2, residues 233-253): GILYEFAGKR[Val243Leu]PFLVLAAVSL

ClinVar aggregate classification (germline): Uncertain significance (1 of 4 stars; one submission).

Allele frequency attached by ClinVar (database versions not stated): TOPMed 0.00002; ExAC 0.00004.
gnomAD v4.1: 9 of 1,599,056 alleles (0.00056%); highest among the groups gnomAD compares: East Asian, 0.0022%; no homozygotes.

Submission:

Labcorp Genetics (formerly Invitae), Labcorp
Classification: Uncertain significance. Last evaluated: 2022-04-04. Review status: criteria provided, single submitter. Criteria: Invitae Variant Classification Sherloc (09022015). Collection method: clinical testing. Allele origin: germline.
Comment: In summary, the available evidence is currently insufficient to determine the role of this variant in disease. Therefore, it has been classified as a Variant of Uncertain Significance. Algorithms developed to predict the effect of missense changes on protein structure and function (SIFT, PolyPhen-2, Align-GVGD) all suggest that this variant is likely to be tolerated. This variant has not been reported in the literature in individuals affected with SLC18A3-related conditions. This variant is present in population databases (rs771935500, gnomAD 0.003%). This sequence change replaces valine, which is neutral and non-polar, with leucine, which is neutral and non-polar, at codon 243 of the SLC18A3 protein (p.Val243Leu).